The following is an entry in ClinVar:

ClinVar aggregate classification (germline): Uncertain significance (1 of 4 stars; one submission).

Conditions:
Cardiovascular phenotype. Identifiers: MedGen CN230736.

Submission:

Ambry Genetics
Classification: Uncertain significance for Cardiovascular phenotype. Last evaluated: 2025-06-18. Review status: criteria provided, single submitter. Criteria: Ambry Variant Classification Scheme 2023. Collection method: clinical testing. Allele origin: germline.
Comment: The p.L2098F variant (also known as c.6292C>T), located in coding exon 41 of the RYR2 gene, results from a C to T substitution at nucleotide position 6292. The leucine at codon 2098 is replaced by phenylalanine, an amino acid with highly similar properties. This amino acid position is well conserved in available vertebrate species. In addition, the in silico prediction for this alteration is inconclusive. Based on the available evidence, the clinical significance of this variant remains unclear.

NM_001035.3(RYR2):c.6292C>T (p.Leu2098Phe)

Gene: RYR2 (ryanodine receptor 2; plus strand). Cytogenetic location: 1q43.
Variant type: single nucleotide variant.
Coding change: c.6292C>T on transcript NM_001035.3 (MANE Select); coding-DNA position 6292, C replaced by T.
Protein change: p.Leu2098Phe; replaces leucine 2098 with phenylalanine.
Molecular consequence: missense variant.
Genome position (GRCh38, 1-based): chr1:237,627,932, C>T. VCF-style: chr1-237627932-C-T. GRCh37 (hg19) VCF-style: chr1-237791232-C-T.
Other names: short protein forms L2098F.
Identifiers: ClinVar variation 4158421 (VCV004158421.1).
Genomic context (GRCh38, chr1:237,627,932, plus strand): 5'-CCCGAGCTGGTGAGGGCCATGTTTGTGTTGCTCCATCGGCAGTATGACGGCATTGGGGGT[C>T]TTGTTCGGGCCCTGCCAAAGACCTACACGATAAATGGTGTGTCCGTGGAGGACACCATCA-3'
Protein context (NP_001026.2, residues 2088-2108): LHRQYDGIGG[Leu2098Phe]VRALPKTYTI